The following is an entry in ClinVar:

NM_004341.5(CAD):c.523G>A (p.Ala175Thr)

Gene: CAD (carbamoyl-phosphate synthetase 2, aspartate transcarbamylase, and dihydroorotase; plus strand). Cytogenetic location: 2p23.3.
Variant type: single nucleotide variant.
Coding change: c.523G>A on transcript NM_004341.5 (MANE Select); coding-DNA position 523, G replaced by A.
Protein change: p.Ala175Thr; replaces alanine 175 with threonine.
Molecular consequence: missense variant.
Genome position (GRCh38, 1-based): chr2:27,222,546, G>A. VCF-style: chr2-27222546-G-A. GRCh37 (hg19) VCF-style: chr2-27445414-G-A.
Other names: c.523G>A, p.Ala175Thr (NM_001306079.2); c.523G>A (NM_004341.3); short protein forms A175T.
Identifiers: ClinVar variation 1494877 (VCV001494877.6), dbSNP rs138295722, ClinGen allele CA1572457.

ClinVar aggregate classification (germline): Conflicting classifications of pathogenicity. Review status: criteria provided, conflicting classifications (1 of 4 stars). 2 submissions from 2 submitters: Uncertain significance (1); Likely benign (1). Last evaluated 2022-11-30.

Conditions:
Inborn genetic diseases. Identifiers: MedGen C0950123, MeSH D030342.

Allele frequency attached by ClinVar (database versions not stated): gnomAD exomes 0.00002 and 0.00005; ExAC 0.00004; gnomAD 0.00005; ESP Exome Variant Server 0.00008.
gnomAD v4.1: 76 of 1,613,968 alleles (0.0047%); highest among the groups gnomAD compares: Non-Finnish European, 0.0061%; no homozygotes.

Submissions (2):

Ambry Genetics
Classification: Likely benign for Inborn genetic diseases. Last evaluated: 2022-11-30. Review status: criteria provided, single submitter. Criteria: Ambry Variant Classification Scheme 2023. Collection method: clinical testing. Allele origin: germline.

Labcorp Genetics (formerly Invitae), Labcorp
Classification: Uncertain significance. Last evaluated: 2022-08-10. Review status: criteria provided, single submitter. Criteria: Invitae Variant Classification Sherloc (09022015). Collection method: clinical testing. Allele origin: germline.
Comment: This sequence change replaces alanine, which is neutral and non-polar, with threonine, which is neutral and polar, at codon 175 of the CAD protein (p.Ala175Thr). This variant is present in population databases (rs138295722, gnomAD 0.01%). This variant has not been reported in the literature in individuals affected with CAD-related conditions. ClinVar contains an entry for this variant (Variation ID: 1494877). Algorithms developed to predict the effect of missense changes on protein structure and function output the following: SIFT: "Tolerated"; PolyPhen-2: "Benign"; Align-GVGD: "Class C0". The threonine amino acid residue is found in multiple mammalian species, which suggests that this missense change does not adversely affect protein function. In summary, the available evidence is currently insufficient to determine the role of this variant in disease. Therefore, it has been classified as a Variant of Uncertain Significance.